The following is an entry in ClinVar:

NM_001457.4(FLNB):c.4062-5T>G

Gene: FLNB (filamin B; plus strand). Cytogenetic location: 3p14.3.
Variant type: single nucleotide variant.
Coding change: c.4062-5T>G on transcript NM_001457.4 (MANE Select); 5 bases into the intron before coding-DNA position 4062, T replaced by G.
Molecular consequence: intron variant.
Genome position (GRCh38, 1-based): chr3:58,126,597, T>G. VCF-style: chr3-58126597-T-G. GRCh37 (hg19) VCF-style: chr3-58112324-T-G.
Other names: c.4062-5T>G (NM_001164317.2, NM_001164318.2, NM_001164319.2).
Identifiers: ClinVar variation 258109 (VCV000258109.27), dbSNP rs3732632, ClinGen allele CA2468650.
Genomic context (GRCh38, chr3:58,126,597, plus strand): 5'-TTGGCAATAAGCAGACCAGCATAAATAAATGGTGCACATTTCACTTTCTTTTCCACTCTT[T>G]CCAGAGGCGCAGGAATTGGTGGGCTTGGCATAACTGTTGAGGGACCATCAGAGTCGAAGA-3'

ClinVar aggregate classification (germline): Benign. Review status: criteria provided, multiple submitters, no conflicts (2 of 4 stars). 5 submissions from 5 submitters: Benign (5). Last evaluated 2026-02-02.

Conditions:
FLNB-Related Spectrum Disorders.

Allele frequency attached by ClinVar (database versions not stated): ExAC 0.00942; ESP Exome Variant Server 0.01084; gnomAD 0.01225 and 0.01268; TOPMed 0.01320; 1000 Genomes Project 0.02236; 1000 Genomes Project 30x 0.02249.

Submissions (14):

Labcorp Genetics (formerly Invitae), Labcorp
Classification: Benign. Last evaluated: 2026-02-02. Review status: criteria provided, single submitter. Criteria: Invitae Variant Classification Sherloc (09022015). Collection method: clinical testing. Allele origin: germline.

ARUP Laboratories, Molecular Genetics and Genomics, ARUP Laboratories
Classification: Benign. Last evaluated: 2025-06-20. Review status: criteria provided, single submitter. Criteria: ARUP Molecular Germline Variant Investigation Process 2024. Collection method: clinical testing. Allele origin: germline.

Illumina Laboratory Services, Illumina
Classification: Benign for FLNB-Related Spectrum Disorders. Last evaluated: 2018-01-13. Review status: criteria provided, single submitter. Criteria: ICSL Variant Classification Criteria 13 December 2019. Collection method: clinical testing. Allele origin: germline.
Comment: This variant was observed in the ICSL laboratory as part of a predisposition screen in an ostensibly healthy population. It had not been previously curated by ICSL or reported in the Human Gene Mutation Database (HGMD: prior to June 1st, 2018), and was therefore a candidate for classification through an automated scoring system. Utilizing variant allele frequency, disease prevalence and penetrance estimates, and inheritance mode, an automated score was calculated to assess if this variant is too frequent to cause the disease. Based on the score and internal cut-off values, a variant classified as benign is not then subjected to further curation. The score for this variant resulted in a classification of benign for this disease.

GeneDx
Classification: Benign. Last evaluated: 2017-07-17. Review status: criteria provided, single submitter. Criteria: GeneDx Variant Classification (06012015). Collection method: clinical testing. Allele origin: germline. Affected: yes.
Comment: This variant is considered likely benign or benign based on one or more of the following criteria: it is a conservative change, it occurs at a poorly conserved position in the protein, it is predicted to be benign by multiple in silico algorithms, and/or has population frequency not consistent with disease.

PreventionGenetics, part of Exact Sciences
Classification: Benign. Review status: criteria provided, single submitter. Criteria: ACMG Guidelines, 2015. Collection method: clinical testing. Allele origin: germline.

Dr. Peter K. Rogan Lab, Western University
No classification provided (evidence only). Condition: Cervical cancer. Review status: no classification provided. Collection method: in vitro. Allele origin: not applicable. Functional consequence: retained intron. Not counted in ClinVar's aggregate classification.

Dr. Peter K. Rogan Lab, Western University
No classification provided (evidence only). Condition: Hepatocellular carcinoma. Review status: no classification provided. Collection method: in vitro. Allele origin: not applicable. Functional consequence: retained intron. Not counted in ClinVar's aggregate classification.

Dr. Peter K. Rogan Lab, Western University
No classification provided (evidence only). Condition: Gastric cancer. Review status: no classification provided. Collection method: in vitro. Allele origin: not applicable. Functional consequence: retained intron. Not counted in ClinVar's aggregate classification.

Dr. Peter K. Rogan Lab, Western University
No classification provided (evidence only). Condition: Gastric cancer. Review status: no classification provided. Collection method: in vitro. Allele origin: not applicable. Functional consequence: retained intron. Not counted in ClinVar's aggregate classification.

Dr. Peter K. Rogan Lab, Western University
No classification provided (evidence only). Condition: Gastric cancer. Review status: no classification provided. Collection method: in vitro. Allele origin: not applicable. Functional consequence: retained intron. Not counted in ClinVar's aggregate classification.

Dr. Peter K. Rogan Lab, Western University
No classification provided (evidence only). Condition: Malignant tumor of esophagus. Review status: no classification provided. Collection method: in vitro. Allele origin: not applicable. Functional consequence: retained intron. Not counted in ClinVar's aggregate classification.

Dr. Peter K. Rogan Lab, Western University
No classification provided (evidence only). Condition: Malignant tumor of esophagus. Review status: no classification provided. Collection method: in vitro. Allele origin: not applicable. Functional consequence: retained intron. Not counted in ClinVar's aggregate classification.

Dr. Peter K. Rogan Lab, Western University
No classification provided (evidence only). Condition: Malignant tumor of esophagus. Review status: no classification provided. Collection method: in vitro. Allele origin: not applicable. Functional consequence: retained intron. Not counted in ClinVar's aggregate classification.

Dr. Peter K. Rogan Lab, Western University
No classification provided (evidence only). Condition: Hepatocellular carcinoma. Review status: no classification provided. Collection method: in vitro. Allele origin: not applicable. Functional consequence: retained intron. Not counted in ClinVar's aggregate classification.